The following is an entry in ClinVar:

NM_001854.4(COL11A1):c.1739G>A (p.Gly580Asp)

Gene: COL11A1 (collagen type XI alpha 1 chain; minus strand). Cytogenetic location: 1p21.1.
Variant type: single nucleotide variant.
Coding change: c.1739G>A on transcript NM_001854.4 (MANE Select); coding-DNA position 1739, G replaced by A.
Protein change: p.Gly580Asp; replaces glycine 580 with aspartic acid.
Molecular consequence: missense variant. On other transcripts: non-coding transcript variant (1).
Genome position (GRCh38, 1-based): chr1:103,006,120, C>T on the plus strand (G>A on the coding strand, the complement: COL11A1 is on the minus strand). VCF-style: chr1-103006120-C-T. GRCh37 (hg19) VCF-style: chr1-103471676-C-T.
Other names: c.1391G>A, p.Gly464Asp (NM_001168249.1, NM_080630.4); c.1622G>A, p.Gly541Asp (NM_001190709.2); c.1775G>A, p.Gly592Asp (NM_080629.3); short protein forms G464D, G541D, G580D, G592D.
Identifiers: ClinVar variation 2663270 (VCV002663270.1), dbSNP rs2525405686, ClinGen allele CA341174072.

ClinVar aggregate classification (germline): Uncertain significance (1 of 4 stars; one submission).

Submission:

GeneDx
Classification: Uncertain significance. Last evaluated: 2023-05-13. Review status: criteria provided, single submitter. Criteria: GeneDx Variant Classification Process June 2021. Collection method: clinical testing. Allele origin: germline. Affected: yes.
Comment: Not observed at significant frequency in large population cohorts (gnomAD); In silico analysis supports that this missense variant has a deleterious effect on protein structure/function; Has not been previously published as pathogenic or benign to our knowledge; Also known as G52D